The following is an entry in ClinVar:

NM_005591.4(MRE11):c.1978T>G (p.Ser660Ala)

Gene: MRE11 (MRE11 double strand break repair nuclease; minus strand). Cytogenetic location: 11q21.
Variant type: single nucleotide variant.
Coding change: c.1978T>G on transcript NM_005591.4 (MANE Select); coding-DNA position 1978, T replaced by G.
Protein change: p.Ser660Ala; replaces serine 660 with alanine.
Molecular consequence: missense variant.
Genome position (GRCh38, 1-based): chr11:94,435,848, A>C on the plus strand (T>G on the coding strand, the complement: MRE11 is on the minus strand). VCF-style: chr11-94435848-A-C. GRCh37 (hg19) VCF-style: chr11-94169014-A-C.
Other names: c.1975T>G, p.Ser659Ala (NM_001330347.2); c.1894T>G, p.Ser632Ala (NM_005590.4); short protein forms S660A, S659A, S632A.
Identifiers: ClinVar variation 3912891 (VCV003912891.1).
Genomic context (GRCh38, chr11:94,435,848, plus strand): 5'-AATTTTTTTCAGATGTTTCTTTTGCAGAAAATCACTGCACCTACCTTTGATCTGTCTTTG[A>C]AGTGGTAGGAAAAATGTCTTCTTCCACATCTGATTCATCTACCTCAATCACCTGGCAAGG-3'
Protein context (NP_005582.1, residues 650-670): DVEEDIFPTT[Ser660Ala]KTDQRWSSTS

ClinVar aggregate classification (germline): Uncertain significance (1 of 4 stars; one submission).

Conditions:
Hereditary cancer-predisposing syndrome. Also called: Hereditary Cancer Syndrome; Hereditary neoplastic syndrome; Neoplastic Syndromes, Hereditary; Tumor predisposition. Identifiers: Orphanet 140162, MedGen C0027672, MeSH D009386, MONDO:0015356.

gnomAD v4.1: 1 of 1,613,608 alleles (0.000062%); highest among the groups gnomAD compares: South Asian, 0.0011%; no homozygotes.

Submission:

Ambry Genetics
Classification: Uncertain significance for Hereditary cancer-predisposing syndrome. Last evaluated: 2025-06-01. Review status: criteria provided, single submitter. Criteria: Ambry Variant Classification Scheme 2023. Collection method: clinical testing. Allele origin: germline.
Comment: The p.S660A variant (also known as c.1978T>G), located in coding exon 17 of the MRE11A gene, results from a T to G substitution at nucleotide position 1978. The serine at codon 660 is replaced by alanine, an amino acid with similar properties. This amino acid position is conserved. In addition, this alteration is predicted to be tolerated by in silico analysis. Based on the available evidence, the clinical significance of this variant remains unclear.